The following is an entry in ClinVar:

ClinVar aggregate classification (germline): Likely benign. Review status: criteria provided, single submitter (1 of 4 stars). 2 submissions from 2 submitters: Likely benign (1). 1 of the submissions does not count toward it. Last evaluated 2025-10-13.

Conditions:
CDAN1-related disorder. Also called: CDAN1-related condition.

Allele frequency attached by ClinVar (database versions not stated): ESP Exome Variant Server 0.00008; TOPMed 0.00011; gnomAD 0.00014.

Submissions (2):

Labcorp Genetics (formerly Invitae), Labcorp
Classification: Likely benign. Last evaluated: 2025-10-13. Review status: criteria provided, single submitter. Criteria: Invitae Variant Classification Sherloc (09022015). Collection method: clinical testing. Allele origin: germline.

PreventionGenetics, part of Exact Sciences
Classification: Likely benign for CDAN1-related condition. Last evaluated: 2019-03-26. Review status: no assertion criteria provided. Collection method: clinical testing. Allele origin: germline. Not counted in ClinVar's aggregate classification.
Comment: This variant is classified as likely benign based on ACMG/AMP sequence variant interpretation guidelines (Richards et al. 2015 PMID: 25741868, with internal and published modifications).

NM_138477.4(CDAN1):c.1686C>G (p.Pro562=)

Gene: CDAN1 (codanin 1; minus strand). Cytogenetic location: 15q15.2.
Variant type: single nucleotide variant.
Coding change: c.1686C>G on transcript NM_138477.4 (MANE Select); coding-DNA position 1686, C replaced by G.
Protein change: p.Pro562=; no amino-acid change (proline 562 retained).
Molecular consequence: synonymous variant.
Genome position (GRCh38, 1-based): chr15:42,731,673, G>C on the plus strand (C>G on the coding strand, the complement: CDAN1 is on the minus strand). VCF-style: chr15-42731673-G-C. GRCh37 (hg19) VCF-style: chr15-43023871-G-C.
Other names: c.1686C>G (NM_138477.2).
Identifiers: ClinVar variation 2079031 (VCV002079031.6), dbSNP rs142013998, ClinGen allele CA7515974.